The following is an entry in ClinVar:

ClinVar aggregate classification (germline): Likely benign. Review status: criteria provided, multiple submitters, no conflicts (2 of 4 stars). 2 submissions from 2 submitters: Likely benign (2). Last evaluated 2025-02-17.

Conditions:
NPHP1-related disorder. Also called: NPHP1-related condition; NPHP1-related disorders.
Nephronophthisis. Also called: Juvenile Nephronophthisis. Identifiers: Orphanet 655, MedGen C0687120, MONDO:0019005, HP:0000090.

Allele frequency attached by ClinVar (database versions not stated): ExAC 0.00001; gnomAD exomes 0.00001; gnomAD 0.00004; TOPMed 0.00004; ESP Exome Variant Server 0.00015.
gnomAD v4.1: 13 of 1,603,098 alleles (0.00081%); highest among the groups gnomAD compares: African/African-American, 0.011%; no homozygotes.

Submissions (2):

Labcorp Genetics (formerly Invitae), Labcorp
Classification: Likely benign for Nephronophthisis. Last evaluated: 2025-02-17. Review status: criteria provided, single submitter. Criteria: Invitae Variant Classification Sherloc (09022015). Collection method: clinical testing. Allele origin: germline.

PreventionGenetics, part of Exact Sciences
Classification: Likely benign for NPHP1-related condition. Last evaluated: 2024-12-05. Review status: criteria provided, single submitter. Criteria: ACMG Guidelines, 2015. Collection method: clinical testing. Allele origin: germline.
Comment: This variant is classified as likely benign based on ACMG/AMP sequence variant interpretation guidelines (Richards et al. 2015 PMID: 25741868, with internal and published modifications).

NM_001128178.3(NPHP1):c.859+7C>T

Gene: NPHP1 (nephrocystin 1; minus strand). Cytogenetic location: 2q13.
Variant type: single nucleotide variant.
Coding change: c.859+7C>T on transcript NM_001128178.3 (MANE Select); 7 bases into the intron after coding-DNA position 859, C replaced by T.
Molecular consequence: intron variant.
Genome position (GRCh38, 1-based): chr2:110,163,041, G>A on the plus strand (C>T on the coding strand, the complement: NPHP1 is on the minus strand). VCF-style: chr2-110163041-G-A. GRCh37 (hg19) VCF-style: chr2-110920618-G-A.
Other names: c.670+7C>T (NM_001128179.3); c.856+7C>T (NM_001374256.1); c.859+7C>T (NM_001374257.1); c.1024+7C>T (NM_207181.4); c.1027+7C>T (NM_000272.5, NM_000272.3).
Identifiers: ClinVar variation 2143933 (VCV002143933.5), dbSNP rs373275261, ClinGen allele CA1827208.